The following is an entry in ClinVar:

NM_000021.4(PSEN1):c.235G>A (p.Ala79Thr)

Gene: PSEN1 (presenilin 1; plus strand). Cytogenetic location: 14q24.2.
Variant type: single nucleotide variant.
Coding change: c.235G>A on transcript NM_000021.4 (MANE Select); coding-DNA position 235, G replaced by A.
Protein change: p.Ala79Thr; replaces alanine 79 with threonine.
Molecular consequence: missense variant.
Genome position (GRCh38, 1-based): chr14:73,170,944, G>A. VCF-style: chr14-73170944-G-A. GRCh37 (hg19) VCF-style: chr14-73637652-G-A.
Other names: c.223G>A, p.Ala75Thr (NM_007318.3); short protein forms A75T, A79T.
Identifiers: ClinVar variation 3759251 (VCV003759251.2).

ClinVar aggregate classification (germline): Uncertain significance (1 of 4 stars; one submission).

Conditions:
Pick disease. Also called: PICK DISEASE OF BRAIN; Pick Disease of the Brain; DEMENTIA WITH LOBAR ATROPHY AND NEURONAL CYTOPLASMIC INCLUSIONS; LOBAR ATROPHY OF BRAIN; Pick's disease. Identifiers: Orphanet 282, MedGen C0236642, MONDO:0008243, OMIM 172700.
Acne inversa, familial, 3 (ACNINV3). Identifiers: MedGen C3151038, MONDO:0013398, OMIM 613737.
Alzheimer disease 3 (AD3). Also called: ALZHEIMER DISEASE, FAMILIAL, 3. Identifiers: Orphanet 1020, MedGen C1843013, MONDO:0011913, OMIM 607822.
Frontotemporal dementia (FTD1). Also called: Frontotemporal lobe dementia (FLDEM); FRONTOTEMPORAL LOBAR DEGENERATION WITH TAU INCLUSIONS; FTLD WITH TAU INCLUSIONS; Frontotemporal Dementia with Parkinsonism-17 (FTDP-17); FRONTOTEMPORAL DEMENTIA WITH PARKINSONISM; FRONTOTEMPORAL LOBE DEMENTIA. Identifiers: Orphanet 282, MedGen C0338451, MONDO:0017276, OMIM 600274, HP:0002145.

gnomAD v4.1: 12 of 1,614,176 alleles (0.00074%); highest among the groups gnomAD compares: Admixed American, 0.0067%; no homozygotes.

Submission:

Labcorp Genetics (formerly Invitae), Labcorp
Classification: Uncertain significance for Alzheimer disease 3; Pick disease; Acne inversa, familial, 3; Frontotemporal dementia. Last evaluated: 2024-06-21. Review status: criteria provided, single submitter. Criteria: Invitae Variant Classification Sherloc (09022015). Collection method: clinical testing. Allele origin: germline.
Comment: This sequence change replaces alanine, which is neutral and non-polar, with threonine, which is neutral and polar, at codon 79 of the PSEN1 protein (p.Ala79Thr). This variant is present in population databases (rs769650189, gnomAD 0.01%). This missense change has been observed in individual(s) with dilated cardiomyopathy and/or early-onset dementia (PMID: 25163546, 37341843). Advanced modeling of protein sequence and biophysical properties (such as structural, functional, and spatial information, amino acid conservation, physicochemical variation, residue mobility, and thermodynamic stability) performed at Invitae indicates that this missense variant is expected to disrupt PSEN1 protein function with a positive predictive value of 80%. This variant disrupts the p.Ala79 amino acid residue in PSEN1. Other variant(s) that disrupt this residue have been determined to be pathogenic (PMID: 9384602, 10631141, 17366635, 17431506, 27454811). This suggests that this residue is clinically significant, and that variants that disrupt this residue are likely to be disease-causing. In summary, the available evidence is currently insufficient to determine the role of this variant in disease. Therefore, it has been classified as a Variant of Uncertain Significance.

Literature cited by the submitters: PubMed 25163546; PubMed 37341843; PubMed 9384602; PubMed 10631141; PubMed 17366635; PubMed 17431506; PubMed 27454811.